The following is an entry in ClinVar:

ClinVar aggregate classification (germline): Uncertain significance (1 of 4 stars; one submission).

gnomAD v4.1: 4 of 1,601,376 alleles (0.00025%); highest among the groups gnomAD compares: Admixed American, 0.005%; no homozygotes.

Submission:

Labcorp Genetics (formerly Invitae), Labcorp
Classification: Uncertain significance. Last evaluated: 2026-01-07. Review status: criteria provided, single submitter. Criteria: Invitae Variant Classification Sherloc (09022015). Collection method: clinical testing. Allele origin: germline.
Comment: This sequence change replaces alanine, which is neutral and non-polar, with glycine, which is neutral and non-polar, at codon 382 of the PLD3 protein (p.Ala382Gly). This variant is not present in population databases (gnomAD no frequency). This variant has not been reported in the literature in individuals affected with PLD3-related conditions. An algorithm developed to predict the effect of missense changes on protein structure and function (PolyPhen-2) suggests that this variant is likely to be tolerated. In summary, the available evidence is currently insufficient to determine the role of this variant in disease. Therefore, it has been classified as a Variant of Uncertain Significance.

NM_012268.4(PLD3):c.1145C>G (p.Ala382Gly)

Gene: PLD3 (phospholipase D family member 3; plus strand). Cytogenetic location: 19q13.2.
Variant type: single nucleotide variant.
Coding change: c.1145C>G on transcript NM_012268.4 (MANE Select); coding-DNA position 1145, C replaced by G.
Protein change: p.Ala382Gly; replaces alanine 382 with glycine.
Molecular consequence: missense variant.
Genome position (GRCh38, 1-based): chr19:40,376,734, C>G. VCF-style: chr19-40376734-C-G. GRCh37 (hg19) VCF-style: chr19-40882641-C-G.
Other names: c.1145C>G, p.Ala382Gly (NM_001031696.4, NM_001291311.2); short protein forms A382G.
Identifiers: ClinVar variation 4707022 (VCV004707022.1).